The following is an entry in ClinVar:

ClinVar aggregate classification (germline): Conflicting classifications of pathogenicity. Review status: criteria provided, conflicting classifications (1 of 4 stars). 4 submissions from 4 submitters: Uncertain significance (3); Benign (1). Last evaluated 2025-12-01.

Conditions:
Hereditary cancer-predisposing syndrome. Also called: Hereditary neoplastic syndrome; Neoplastic Syndromes, Hereditary; Tumor predisposition; Hereditary Cancer Syndrome. Identifiers: Orphanet 140162, MedGen C0027672, MeSH D009386, MONDO:0015356.
Tuberous sclerosis 2 (TSC2). Identifiers: Orphanet 805, MedGen C1860707, MONDO:0013199, OMIM 613254.
Isolated focal cortical dysplasia type II (FCORD2). Also called: CORTICAL DYSPLASIA OF TAYLOR; Focal cortical dysplasia type II. Identifiers: Orphanet 268994, MedGen C1846385, MONDO:0011818, OMIM 607341, HP:0032051.
Lymphangiomyomatosis (LAM). Also called: Lymphangioleiomyomatosis; Lymphangioleiomyomatosis, somatic. Identifiers: Orphanet 538, MedGen C0751674, MONDO:0011705, OMIM 606690.

Allele frequency attached by ClinVar (database versions not stated): gnomAD exomes below 0.00001.

Submissions (4):

Labcorp Genetics (formerly Invitae), Labcorp
Classification: Benign for Tuberous sclerosis 2. Last evaluated: 2025-12-01. Review status: criteria provided, single submitter. Criteria: Invitae Variant Classification Sherloc (09022015). Collection method: clinical testing. Allele origin: germline.

Baylor Genetics
Classification: Uncertain significance for Isolated focal cortical dysplasia type II. Last evaluated: 2024-01-11. Review status: criteria provided, single submitter. Criteria: ACMG Guidelines, 2015. Collection method: clinical testing. Allele origin: unknown.

Ambry Genetics
Classification: Uncertain significance for Hereditary cancer-predisposing syndrome. Last evaluated: 2023-09-12. Review status: criteria provided, single submitter. Criteria: Ambry Variant Classification Scheme 2023. Collection method: clinical testing. Allele origin: germline.
Comment: The p.M1300T variant (also known as c.3899T>C), located in coding exon 32 of the TSC2 gene, results from a T to C substitution at nucleotide position 3899. The methionine at codon 1300 is replaced by threonine, an amino acid with similar properties. This amino acid position is conserved. In addition, the in silico prediction for this alteration is inconclusive. Since supporting evidence is limited at this time, the clinical significance of this alteration remains unclear.

Fulgent Genetics
Classification: Uncertain significance for Lymphangiomyomatosis; Isolated focal cortical dysplasia type II; Tuberous sclerosis 2. Last evaluated: 2021-11-24. Review status: criteria provided, single submitter. Criteria: ACMG Guidelines, 2015. Collection method: clinical testing. Allele origin: unknown.

NM_000548.5(TSC2):c.3899T>C (p.Met1300Thr)

Gene: TSC2 (TSC complex subunit 2; plus strand). Cytogenetic location: 16p13.3.
Variant type: single nucleotide variant.
Coding change: c.3899T>C on transcript NM_000548.5 (MANE Select); coding-DNA position 3899, T replaced by C.
Protein change: p.Met1300Thr; replaces methionine 1300 with threonine.
Molecular consequence: missense variant.
Genome position (GRCh38, 1-based): chr16:2,083,710, T>C. VCF-style: chr16-2083710-T-C. GRCh37 (hg19) VCF-style: chr16-2133711-T-C.
Other names: c.3698T>C, p.Met1233Thr (NM_001077183.3); c.3830T>C, p.Met1277Thr (NM_001114382.3); c.3590T>C, p.Met1197Thr (NM_001318827.2); c.3554T>C, p.Met1185Thr (NM_001318829.2); c.3167T>C, p.Met1056Thr (NM_001318831.2); c.3731T>C, p.Met1244Thr (NM_001318832.2); c.3701T>C, p.Met1234Thr (NM_001363528.2); c.3767T>C, p.Met1256Thr (NM_001370404.1); and 1 more; short protein forms M1300T, M1185T, M1233T, M1256T, M1277T, M1056T, M1197T, M1234T.
Identifiers: ClinVar variation 468048 (VCV000468048.13), dbSNP rs1349341137, ClinGen allele CA394296835.
Genomic context (GRCh38, chr16:2,083,710, plus strand): 5'-CCTGGCCCAGCCCCACATCCAGCAGCCCCGTCTGTGTCCTCCCAGACTCCGCCGTGGTCA[T>C]GGAGGAGGGAAGTCCGGGCGAGGTTCCTGTGCTGGTGGAGCCCCCAGGGTTGGAGGACGT-3'
Protein context (NP_000539.2, residues 1290-1310): SVSWADSAVV[Met1300Thr]EEGSPGEVPV